The following is an entry in ClinVar:

NM_000059.4(BRCA2):c.4076C>T (p.Thr1359Ile)

Gene: BRCA2 (BRCA2 DNA repair associated; plus strand). Cytogenetic location: 13q13.1.
Variant type: single nucleotide variant.
Coding change: c.4076C>T on transcript NM_000059.4 (MANE Select); coding-DNA position 4076, C replaced by T.
Protein change: p.Thr1359Ile; replaces threonine 1359 with isoleucine.
Molecular consequence: missense variant.
Genome position (GRCh38, 1-based): chr13:32,338,431, C>T. VCF-style: chr13-32338431-C-T. GRCh37 (hg19) VCF-style: chr13-32912568-C-T.
Other names: p.Thr1359Ile; short protein forms T1359I.
Identifiers: ClinVar variation 236861 (VCV000236861.22), dbSNP rs878853578, ClinGen allele CA10583099.

ClinVar aggregate classification (germline): Conflicting classifications of pathogenicity. Review status: criteria provided, conflicting classifications (1 of 4 stars). 7 submissions from 7 submitters: Uncertain significance (4); Likely benign (3). Last evaluated 2025-12-29.

Conditions:
Hereditary cancer-predisposing syndrome. Also called: Tumor predisposition; Hereditary Cancer Syndrome; Hereditary neoplastic syndrome; Neoplastic Syndromes, Hereditary. Identifiers: Orphanet 140162, MedGen C0027672, MeSH D009386, MONDO:0015356.
Hereditary breast ovarian cancer syndrome. Also called: Hereditary breast and ovarian cancer; Breast and ovarian cancer; BRCA1- and BRCA2-Associated Hereditary Breast and Ovarian Cancer; Hereditary breast and ovarian cancer syndrome; Hereditary breast and ovarian cancer syndrome (HBOC); Hereditary breast and/or ovarian cancer syndrome. Identifiers: Orphanet 145, MedGen C0677776, MeSH D061325, MONDO:0003582. Disease mechanism: loss of function.
Breast-ovarian cancer, familial, susceptibility to, 2 (BROVCA2). Also called: BRCA2 Hereditary Breast and Ovarian Cancer. Identifiers: Orphanet 145, MedGen C2675520, MONDO:0012933, OMIM 612555. Disease mechanism: loss of function.

Submissions (7):

Labcorp Genetics (formerly Invitae), Labcorp
Classification: Uncertain significance for Hereditary breast ovarian cancer syndrome. Last evaluated: 2025-12-29. Review status: criteria provided, single submitter. Criteria: Invitae Variant Classification Sherloc (09022015). Collection method: clinical testing. Allele origin: germline.
Comment: This sequence change replaces threonine, which is neutral and polar, with isoleucine, which is neutral and non-polar, at codon 1359 of the BRCA2 protein (p.Thr1359Ile). This variant is not present in population databases (gnomAD no frequency). This variant has not been reported in the literature in individuals affected with BRCA2-related conditions. ClinVar contains an entry for this variant (Variation ID: 236861). Invitae Evidence Modeling of protein sequence and biophysical properties (such as structural, functional, and spatial information, amino acid conservation, physicochemical variation, residue mobility, and thermodynamic stability) indicates that this missense variant is not expected to disrupt BRCA2 protein function with a negative predictive value of 95%. In summary, the available evidence is currently insufficient to determine the role of this variant in disease. Therefore, it has been classified as a Variant of Uncertain Significance.

Mayo Clinic Laboratories, Mayo Clinic
Classification: Likely benign. Last evaluated: 2025-12-12. Review status: criteria provided, single submitter. Criteria: ACMG Guidelines, 2015. Collection method: clinical testing. Allele origin: germline. Observed: 1 variant allele.
Comment: BP1_strong

All of Us Research Program, National Institutes of Health
Classification: Uncertain significance for Breast-ovarian cancer, familial, susceptibility to, 2. Last evaluated: 2023-12-13. Review status: criteria provided, single submitter. Criteria: ACMG Guidelines, 2015. Collection method: clinical testing. Allele origin: germline. Inheritance: Autosomal dominant inheritance. Observed: 1 variant allele, 1 heterozygote.
Comment: This missense variant replaces threonine with isoleucine at codon 1359 of the BRCA2 protein. Computational prediction suggests that this variant may not impact protein structure and function (internally defined REVEL score threshold <= 0.5, PMID: 27666373). To our knowledge, functional studies have not been reported for this variant. This variant has been reported in an individual affected with breast cancer (PMID: 33471991; Leiden Open Variation Database DB-ID BRCA2_006386) and in unaffected individuals (PMID: 30287823, 31214711, 32980694, PMID: 33471991). This variant has not been identified in the general population by the Genome Aggregation Database (gnomAD). The available evidence is insufficient to determine the role of this variant in disease conclusively. Therefore, this variant is classified as a Variant of Uncertain Significance.

This study involves interpretation of variants in research participants for the purpose of population health screening. Participant phenotype was not available at the time of variant classification. Additional details can be found in publication PMID: 35346344, PMCID: PMC8962531

Color Diagnostics, LLC DBA Color Health
Classification: Uncertain significance for Hereditary cancer-predisposing syndrome. Last evaluated: 2023-11-16. Review status: criteria provided, single submitter. Criteria: ACMG Guidelines, 2015. Collection method: clinical testing. Allele origin: germline.
Comment: This missense variant replaces threonine with isoleucine at codon 1359 of the BRCA2 protein. Computational prediction suggests that this variant may not impact protein structure and function (internally defined REVEL score threshold <= 0.5, PMID: 27666373). To our knowledge, functional studies have not been reported for this variant. This variant has been reported in an individual affected with breast cancer (PMID: 33471991; Leiden Open Variation Database DB-ID BRCA2_006386) and in unaffected individuals (PMID: 30287823, 31214711, 32980694, PMID: 33471991). This variant has not been identified in the general population by the Genome Aggregation Database (gnomAD). The available evidence is insufficient to determine the role of this variant in disease conclusively. Therefore, this variant is classified as a Variant of Uncertain Significance.

University of Washington Department of Laboratory Medicine, University of Washington
Classification: Likely benign for Hereditary cancer-predisposing syndrome. Last evaluated: 2023-03-23. Review status: criteria provided, single submitter. Criteria: Dines et al. (Genet Med. 2020). Collection method: curation. Allele origin: germline.
Comment: Missense variant in a coldspot region where missense variants are very unlikely to be pathogenic (PMID:31911673).

BRCA2 exon 11 coldspot. Reclassification based on statistical prior probability.

Quest Diagnostics Nichols Institute San Juan Capistrano
Classification: Uncertain significance. Last evaluated: 2018-04-19. Review status: criteria provided, single submitter. Criteria: Quest Diagnostics criteria. Collection method: clinical testing. Allele origin: germline.

Ambry Genetics
Classification: Likely benign for Hereditary cancer-predisposing syndrome. Last evaluated: 2017-11-30. Review status: criteria provided, single submitter. Criteria: Ambry Variant Classification Scheme 2023. Collection method: clinical testing. Allele origin: germline.

Literature cited by the submitters: PubMed 30287823 (cited by 3 submitters); PubMed 32467295 (cited by Mayo Clinic Laboratories, Mayo Clinic); PubMed 36243179 (cited by Mayo Clinic Laboratories, Mayo Clinic); PubMed 31214711 (cited by All of Us Research Program, National Institutes of Health and Color Diagnostics, LLC DBA Color Health); PubMed 32980694 (cited by All of Us Research Program, National Institutes of Health and Color Diagnostics, LLC DBA Color Health); PubMed 33471991 (cited by All of Us Research Program, National Institutes of Health and Color Diagnostics, LLC DBA Color Health).